The following is an entry in ClinVar:

ClinVar aggregate classification (germline): Uncertain significance (1 of 4 stars; one submission).

Submission:

Labcorp Genetics (formerly Invitae), Labcorp
Classification: Uncertain significance. Last evaluated: 2022-10-27. Review status: criteria provided, single submitter. Criteria: Invitae Variant Classification Sherloc (09022015). Collection method: clinical testing. Allele origin: germline.
Comment: In summary, the available evidence is currently insufficient to determine the role of this variant in disease. Therefore, it has been classified as a Variant of Uncertain Significance. Algorithms developed to predict the effect of sequence changes on RNA splicing suggest that this variant may disrupt the consensus splice site. This variant has not been reported in the literature in individuals affected with CFH-related conditions. This variant is not present in population databases (gnomAD no frequency). This sequence change falls in intron 17 of the CFH gene. It does not directly change the encoded amino acid sequence of the CFH protein.

NM_000186.4(CFH):c.2783-9T>A

Gene: CFH (complement factor H; plus strand). Cytogenetic location: 1q31.3.
Variant type: single nucleotide variant.
Coding change: c.2783-9T>A on transcript NM_000186.4 (MANE Select); 9 bases into the intron before coding-DNA position 2783, T replaced by A.
Molecular consequence: intron variant.
Genome position (GRCh38, 1-based): chr1:196,740,610, T>A. VCF-style: chr1-196740610-T-A. GRCh37 (hg19) VCF-style: chr1-196709740-T-A.
Identifiers: ClinVar variation 2809995 (VCV002809995.3), dbSNP rs763209141, ClinGen allele CA2739275513.